The following is an entry in ClinVar:

NM_018136.5(ASPM):c.1040A>G (p.Asn347Ser)

Gene: ASPM (assembly factor for spindle microtubules; minus strand). Cytogenetic location: 1q31.3.
Variant type: single nucleotide variant.
Coding change: c.1040A>G on transcript NM_018136.5 (MANE Select); coding-DNA position 1040, A replaced by G.
Protein change: p.Asn347Ser; replaces asparagine 347 with serine.
Molecular consequence: missense variant.
Genome position (GRCh38, 1-based): chr1:197,143,212, T>C on the plus strand (A>G on the coding strand, the complement: ASPM is on the minus strand). VCF-style: chr1-197143212-T-C. GRCh37 (hg19) VCF-style: chr1-197112342-T-C.
Other names: c.1040A>G, p.Asn347Ser (NM_001206846.2); short protein forms N347S.
Identifiers: ClinVar variation 2116183 (VCV002116183.4), dbSNP rs1254973525, ClinGen allele CA344017816.

ClinVar aggregate classification (germline): Uncertain significance (1 of 4 stars; one submission).

Allele frequency attached by ClinVar (database versions not stated): gnomAD exomes below 0.00001.
gnomAD v4.1: 1 of 1,613,538 alleles (0.000062%); highest among the groups gnomAD compares: Admixed American, 0.0017%; no homozygotes.

Submission:

Labcorp Genetics (formerly Invitae), Labcorp
Classification: Uncertain significance. Last evaluated: 2022-03-23. Review status: criteria provided, single submitter. Criteria: Invitae Variant Classification Sherloc (09022015). Collection method: clinical testing. Allele origin: germline.
Comment: In summary, the available evidence is currently insufficient to determine the role of this variant in disease. Therefore, it has been classified as a Variant of Uncertain Significance. Algorithms developed to predict the effect of missense changes on protein structure and function (SIFT, PolyPhen-2, Align-GVGD) all suggest that this variant is likely to be tolerated. This variant has not been reported in the literature in individuals affected with ASPM-related conditions. This variant is present in population databases (no rsID available, gnomAD 0.003%). This sequence change replaces asparagine, which is neutral and polar, with serine, which is neutral and polar, at codon 347 of the ASPM protein (p.Asn347Ser).